The following is an entry in ClinVar:

ClinVar aggregate classification (germline): Uncertain significance (1 of 4 stars; one submission).

Submission:

GeneDx
Classification: Uncertain significance. Last evaluated: 2024-02-07. Review status: criteria provided, single submitter. Criteria: GeneDx Variant Classification Process June 2021. Collection method: clinical testing. Allele origin: germline. Affected: yes.
Comment: Not observed at significant frequency in large population cohorts (gnomAD); In silico analysis supports that this missense variant does not alter protein structure/function; Has not been previously published as pathogenic or benign to our knowledge

NM_001374828.1(ARID1B):c.878C>T (p.Thr293Met)

Genes: ARID1B (AT-rich interaction domain 1B; plus strand), LOC129997525 (ATAC-STARR-seq lymphoblastoid silent region 17712; plus strand). Cytogenetic location: 6q25.3.
Variant type: single nucleotide variant.
Coding change: c.878C>T on transcript NM_001374828.1 (MANE Select); coding-DNA position 878, C replaced by T.
Protein change: p.Thr293Met; replaces threonine 293 with methionine.
Molecular consequence: missense variant.
Genome position (GRCh38, 1-based): chr6:156,778,558, C>T. VCF-style: chr6-156778558-C-T. GRCh37 (hg19) VCF-style: chr6-157099692-C-T.
Other names: c.878C>T, p.Thr293Met (NM_001371656.1, NM_001374820.1, NM_017519.3); c.629C>T (NM_020732.3); short protein forms T293M.
Identifiers: ClinVar variation 3340979 (VCV003340979.1).